The following continues an entry in ClinVar:

NM_000492.4(CFTR):c.1000C>T (p.Arg334Trp)

Gene: CFTR. ClinVar aggregate classification (germline): Pathogenic. Pathogenic (1).

Submissions 11 to 28 of 37:

Victorian Clinical Genetics Services, Murdoch Childrens Research Institute
Classification: Pathogenic for Cystic fibrosis. Last evaluated: 2025-07-28. Review status: criteria provided, single submitter. Criteria: ACMG Guidelines, 2015. Collection method: clinical testing. Allele origin: germline. Affected: no. Not counted in ClinVar's aggregate classification.
Comment: This variant is classified as Pathogenic. Evidence in support of pathogenic classification: Variant is present in gnomAD <0.01 for a recessive condition (v4: 47 heterozygote(s), 0 homozygote(s)); This variant has strong previous evidence of pathogenicity in unrelated individuals. This variant has been classified as pathogenic by multiple clinical laboratories, including an expert panel (CFTR2, ClinVar); Missense variant predicted to be damaging by in silico tool(s) or highly conserved with a major amino acid change. Additional information: Variant is predicted to result in a missense amino acid change from Arg to Trp; This variant is heterozygous; This gene is associated with autosomal recessive disease; Alternative amino acid change(s) at the same position are present in gnomAD (Highest allele count: v4: 298 heterozygote(s), 0 homozygote(s)); Variant is located in the annotated ABC membrane domain (DECIPHER); Loss of function is a known mechanism of disease in this gene and is associated with cystic fibrosis (MIM#219700).

ARUP Laboratories, Molecular Genetics and Genomics, ARUP Laboratories
Classification: Pathogenic for Cystic fibrosis. Last evaluated: 2024-12-10. Review status: criteria provided, single submitter. Criteria: ARUP Molecular Germline Variant Investigation Process 2024. Collection method: clinical testing. Allele origin: germline. Not counted in ClinVar's aggregate classification.
Comment: The CFTR c.1000C>T; p.Arg334Trp variant (rs121909011, ClinVar Variation ID: 7139) is reported in numerous individuals affected with cystic fibrosis and is often associated with pancreatic sufficiency (Antinolo 1997, Ooi 2012, Sosnay 2013, CFTR2 database). Many affected individuals have been reported to carry an additional pathogenic variant in trans (Antinolo 1997). Functional characterization of p.Arg334Trp variant protein indicates substantial defects in chloride transport activity (Sosnay 2013, Van Goor 2014). This variant is found in the general population with an overall allele frequency of 0.006% (16/282602 alleles) in the Genome Aggregation Database (v2.1.1). Computational analyses predict that this variant is deleterious (REVEL: 0.816). Based on available information, this variant is considered to be pathogenic. References: CFTR2 database: Antinolo G et al. Genotype-phenotype relationship in 12 patients carrying cystic fibrosis mutation R334W. J Med Genet. 1997 Feb;34(2):89-91. PMID: 9039981. Ooi CY et al. Cystic fibrosis transmembrane conductance regulator (CFTR) gene mutations in pancreatitis. J Cyst Fibros. 2012 Sep;11(5):355-62. PMID: 22658665. Sosnay PR et al. Defining the disease liability of variants in the cystic fibrosis transmembrane conductance regulator gene. Nat Genet. 2013 Oct;45(10):1160-7. PMID: 23974870. Van Goor F et al. Effect of ivacaftor on CFTR forms with missense mutations associated with defects in protein processing or function. J Cyst Fibros. 2014 Jan;13(1):29-36. PMID: 23891399.

Quest Diagnostics Nichols Institute San Juan Capistrano
Classification: Pathogenic. Last evaluated: 2024-03-22. Review status: criteria provided, single submitter. Criteria: Quest Diagnostics criteria. Collection method: clinical testing. Allele origin: unknown. Not counted in ClinVar's aggregate classification.
Comment: The CFTR c.1000C>T (p.Arg334Trp) variant has been reported in the published literature in individuals affected with cystic fibrosis in a homozygous state (PMID: 34276759 (2021)) and in a compound heterozygous state with another pathogenic CFTR variant (PMID: 2045102 (1991), 7868128 (1995), 9039981 (1997), 32761997 (2020), 32674983 (2021)). Functional studies have reported this variant results in decreased chloride conductance (PMID: 7680769 (1993), 23974870 (2013), 23891399 (2014)). The frequency of this variant in the general population, 0.00017 (6/35420 chromosomes (Genome Aggregation Database)), is uninformative in the assessment of its pathogenicity. Analysis of this variant using bioinformatics tools for the prediction of the effect of amino acid changes on protein structure and function yielded predictions that this variant is damaging. Based on the available information, this variant is classified as pathogenic.

Blueprint Genetics
Classification: Pathogenic for CFTR-related disorders. Last evaluated: 2024-03-01. Review status: criteria provided, single submitter. Criteria: ACMG Guidelines, 2015. Collection method: clinical testing. Allele origin: germline. Affected: yes. Observed: 5 variant alleles. Not counted in ClinVar's aggregate classification.

Baylor Genetics
Classification: Pathogenic for Bronchiectasis with or without elevated sweat chloride 1. Last evaluated: 2024-02-15. Review status: criteria provided, single submitter. Criteria: ACMG Guidelines, 2015. Collection method: clinical testing. Allele origin: unknown. Not counted in ClinVar's aggregate classification.

Laboratory of Medical Genetics, National & Kapodistrian University of Athens
Classification: Likely pathogenic for Cystic fibrosis. Last evaluated: 2024-02-01. Review status: criteria provided, single submitter. Criteria: ACMG Guidelines, 2015. Collection method: curation. Allele origin: germline. Affected: no. Not counted in ClinVar's aggregate classification.

Mayo Clinic Laboratories, Mayo Clinic
Classification: Pathogenic. Last evaluated: 2023-01-15. Review status: criteria provided, single submitter. Criteria: ACMG Guidelines, 2015. Collection method: clinical testing. Allele origin: germline. Observed: 2 variant alleles. Not counted in ClinVar's aggregate classification.

Institute of Human Genetics, University of Leipzig Medical Center
Classification: Pathogenic for Cystic fibrosis. Last evaluated: 2022-09-05. Review status: criteria provided, single submitter. Criteria: ACMG Guidelines, 2015. Collection method: curation. Allele origin: unknown. Affected: yes. Observed: 1 variant allele. Not counted in ClinVar's aggregate classification.
Comment: The variant was classified in the context of a project re-classifying variants in the German Cystic Fibrosis Registry (Muko.e.V.). Criteria applied: PS3_MOD, PM2_SUP, PM3_STR, PM5_STR, PP3

Revvity Omics, Revvity
Classification: Pathogenic. Last evaluated: 2022-07-20. Review status: criteria provided, single submitter. Criteria: ACMG Guidelines, 2015. Collection method: clinical testing. Allele origin: germline. Not counted in ClinVar's aggregate classification.

Clinical Genetics Laboratory, Skane University Hospital Lund
Classification: Pathogenic. Last evaluated: 2022-05-27. Review status: criteria provided, single submitter. Criteria: ACMG Guidelines, 2015. Collection method: clinical testing. Allele origin: germline. Affected: yes. Not counted in ClinVar's aggregate classification.

Department of Pathology and Laboratory Medicine, Sinai Health System
Classification: Pathogenic for Congenital bilateral aplasia of vas deferens from CFTR mutation; Cystic fibrosis; Bronchiectasis with or without elevated sweat chloride 1. Last evaluated: 2022-04-26. Review status: criteria provided, single submitter. Criteria: ACMG Guidelines, 2015. Collection method: research. Allele origin: germline. Not counted in ClinVar's aggregate classification.

Genome-Nilou Lab
Classification: Pathogenic for Cystic fibrosis. Last evaluated: 2021-07-22. Review status: criteria provided, single submitter. Criteria: ACMG Guidelines, 2015. Collection method: clinical testing. Allele origin: germline. Affected: no. Not counted in ClinVar's aggregate classification.

Myriad Genetics, Inc.
Classification: Pathogenic for Cystic fibrosis. Last evaluated: 2019-12-20. Review status: criteria provided, single submitter. Criteria: Myriad Women's Health Autosomal Recessive and X-Linked Classification Criteria (2019). Collection method: clinical testing. Allele origin: unknown. Not counted in ClinVar's aggregate classification.
Comment: NM_000492.3(CFTR):c.1000C>T(R334W) is classified as pathogenic and is a non-classic variant in the context of cystic fibrosis. Sources cited for classification include the following: PMID: 23974870. Classification of NM_000492.3(CFTR):c.1000C>T(R334W) is based on the following criteria: This is a well-established pathogenic variant in the literature that has been observed more frequently in patients with clinical diagnoses than in healthy populations. Please note: this variant was assessed in the context of healthy population screening.

Mendelics
Classification: Pathogenic for Cystic fibrosis. Last evaluated: 2018-11-05. Review status: criteria provided, single submitter. Criteria: Mendelics Assertion Criteria 2017. Collection method: clinical testing. Allele origin: unknown. Affected: yes. Not counted in ClinVar's aggregate classification.

Fulgent Genetics
Classification: Pathogenic for Hereditary pancreatitis; Bronchiectasis with or without elevated sweat chloride 1; Cystic fibrosis; Congenital bilateral aplasia of vas deferens from CFTR mutation. Last evaluated: 2018-10-31. Review status: criteria provided, single submitter. Criteria: ACMG Guidelines, 2015. Collection method: clinical testing. Allele origin: unknown. Not counted in ClinVar's aggregate classification.

CFTR-France
Classification: Pathogenic for cystic fibrosis. Last evaluated: 2018-01-29. Review status: criteria provided, single submitter. Criteria: Claustres M et al. (Hum Mutat 2017). Collection method: curation. Allele origin: germline. Affected: yes. Not counted in ClinVar's aggregate classification.

Genomic Research Center, Shahid Beheshti University of Medical Sciences
Classification: Pathogenic for Cystic fibrosis. Last evaluated: 2017-12-03. Review status: criteria provided, single submitter. Criteria: ACMG Guidelines, 2015. Collection method: clinical testing. Allele origin: inherited. Affected: yes. Not counted in ClinVar's aggregate classification.

Institute of Human Genetics Munich, TUM University Hospital
Classification: Pathogenic for Cystic fibrosis. Last evaluated: 2017-09-08. Review status: criteria provided, single submitter. Criteria: Classification criteria August 2017. Collection method: clinical testing. Allele origin: inherited. Inheritance: Autosomal recessive inheritance. Affected: yes. Observed: 1 homozygote. Not counted in ClinVar's aggregate classification.